The following is an entry in ClinVar:

NM_000444.6(PHEX):c.2189del (p.Ala730fs)

Genes: PHEX (phosphate regulating endopeptidase X-linked; plus strand), PTCHD1-AS (PTCHD1 and PHEX antisense RNA; minus strand). Cytogenetic location: Xp22.11.
Variant type: Deletion.
Coding change: c.2189del on transcript NM_000444.6 (MANE Select); coding-DNA position 2189, one base deleted (C; older notation c.2189delC).
Protein change: p.Ala730fs; shifts the reading frame from alanine 730.
Molecular consequence: frameshift variant. On other transcripts: 3 prime UTR variant (1).
Genome position (GRCh38, 1-based): chrX:22,247,892, C deleted. VCF-style (leftmost placement, unchanged base first): chrX-22247891-GC-G. GRCh37 (hg19) VCF-style: chrX-22266008-GC-G.
Other names: c.*24del (NM_001282754.2); short protein forms A730fs.
Identifiers: ClinVar variation 947348 (VCV000947348.9), dbSNP rs1936438118, ClinGen allele CA1139667322.

ClinVar aggregate classification (germline): Pathogenic (1 of 4 stars; one submission).

Submission:

Labcorp Genetics (formerly Invitae), Labcorp
Classification: Pathogenic. Last evaluated: 2019-07-01. Review status: criteria provided, single submitter. Criteria: Invitae Variant Classification Sherloc (09022015). Collection method: clinical testing. Allele origin: germline.
Comment: This sequence change results in a premature translational stop signal in the PHEX gene (p.Ala730Valfs*10). While this is not anticipated to result in nonsense mediated decay, it is expected to disrupt the last 20 amino acids of the PHEX protein. This variant is not present in population databases (ExAC no frequency). This variant has not been reported in the literature in individuals with PHEX-related conditions. This variant disrupts the C-terminus of the PHEX protein. Other variant(s) that disrupt this region (p.Arg747*) have been determined to be pathogenic (PMID: 9199930, 9768674). This suggests that variants that disrupt this region of the protein are likely to be causative of disease. For these reasons, this variant has been classified as Pathogenic.

Literature cited by the submitters: PubMed 9199930; PubMed 9768674.